The following is an entry in ClinVar:

NM_005732.4(RAD50):c.2187G>T (p.Met729Ile)

Gene: RAD50 (RAD50 double strand break repair protein; plus strand). Cytogenetic location: 5q31.1.
Variant type: single nucleotide variant.
Coding change: c.2187G>T on transcript NM_005732.4 (MANE Select); coding-DNA position 2187, G replaced by T.
Protein change: p.Met729Ile; replaces methionine 729 with isoleucine.
Molecular consequence: missense variant.
Genome position (GRCh38, 1-based): chr5:132,595,790, G>T. VCF-style: chr5-132595790-G-T. GRCh37 (hg19) VCF-style: chr5-131931482-G-T.
Other names: short protein forms M729I.
Identifiers: ClinVar variation 482138 (VCV000482138.15), dbSNP rs1554098716, ClinGen allele CA360950788.

ClinVar aggregate classification (germline): Uncertain significance. Review status: criteria provided, multiple submitters, no conflicts (2 of 4 stars). 2 submissions from 2 submitters: Uncertain significance (2). Last evaluated 2025-04-13.

Conditions:
Hereditary cancer-predisposing syndrome. Also called: Neoplastic Syndromes, Hereditary; Tumor predisposition; Hereditary Cancer Syndrome; Hereditary neoplastic syndrome. Identifiers: Orphanet 140162, MedGen C0027672, MeSH D009386, MONDO:0015356.

Submissions (2):

Ambry Genetics
Classification: Uncertain significance for Hereditary cancer-predisposing syndrome. Last evaluated: 2025-04-13. Review status: criteria provided, single submitter. Criteria: Ambry Variant Classification Scheme 2023. Collection method: clinical testing. Allele origin: germline.
Comment: The p.M729I variant (also known as c.2187G>T), located in coding exon 13 of the RAD50 gene, results from a G to T substitution at nucleotide position 2187. The methionine at codon 729 is replaced by isoleucine, an amino acid with highly similar properties. This amino acid position is highly conserved in available vertebrate species. In addition, the in silico prediction for this alteration is inconclusive. Since supporting evidence is limited at this time, the clinical significance of this alteration remains unclear.

Labcorp Genetics (formerly Invitae), Labcorp
Classification: Uncertain significance for Hereditary cancer-predisposing syndrome. Last evaluated: 2023-11-24. Review status: criteria provided, single submitter. Criteria: Invitae Variant Classification Sherloc (09022015). Collection method: clinical testing. Allele origin: germline.
Comment: This sequence change replaces methionine, which is neutral and non-polar, with isoleucine, which is neutral and non-polar, at codon 729 of the RAD50 protein (p.Met729Ile). This variant is not present in population databases (gnomAD no frequency). This variant has not been reported in the literature in individuals affected with RAD50-related conditions. ClinVar contains an entry for this variant (Variation ID: 482138). Advanced modeling of protein sequence and biophysical properties (such as structural, functional, and spatial information, amino acid conservation, physicochemical variation, residue mobility, and thermodynamic stability) performed at Invitae indicates that this missense variant is not expected to disrupt RAD50 protein function with a negative predictive value of 80%. In summary, the available evidence is currently insufficient to determine the role of this variant in disease. Therefore, it has been classified as a Variant of Uncertain Significance.